The following is an entry in ClinVar:

NM_001130144.3(LTBP3):c.674C>T (p.Pro225Leu)

Gene: LTBP3 (latent transforming growth factor beta binding protein 3; minus strand). Cytogenetic location: 11q13.1.
Variant type: single nucleotide variant.
Coding change: c.674C>T on transcript NM_001130144.3 (MANE Select); coding-DNA position 674, C replaced by T.
Protein change: p.Pro225Leu; replaces proline 225 with leucine.
Molecular consequence: missense variant.
Genome position (GRCh38, 1-based): chr11:65,553,891, G>A on the plus strand (C>T on the coding strand, the complement: LTBP3 is on the minus strand). VCF-style: chr11-65553891-G-A. GRCh37 (hg19) VCF-style: chr11-65321362-G-A.
Other names: c.323C>T, p.Pro108Leu (NM_001164266.1); c.674C>T, p.Pro225Leu (NM_021070.4); short protein forms P225L, P108L.
Identifiers: ClinVar variation 1387397 (VCV001387397.8), dbSNP rs773254858, ClinGen allele CA6101176.

ClinVar aggregate classification (germline): Uncertain significance. Review status: criteria provided, multiple submitters, no conflicts (2 of 4 stars). 2 submissions from 2 submitters: Uncertain significance (2). Last evaluated 2025-12-13.

Conditions:
Brachyolmia-amelogenesis imperfecta syndrome. Also called: PLATYSPONDYLY WITH AMELOGENESIS IMPERFECTA; Tooth agenesis, selective, 6; Dental anomalies and short stature. Identifiers: Orphanet 2899, MedGen C1832594, MONDO:0011018, OMIM 601216. Disease mechanism: loss of function.
Inborn genetic diseases. Identifiers: MedGen C0950123, MeSH D030342.

Allele frequency attached by ClinVar (database versions not stated): gnomAD 0.00001; gnomAD exomes 0.00001 and 0.00004; TOPMed 0.00002; ExAC 0.00005.
gnomAD v4.1: 51 of 1,549,184 alleles (0.0033%); highest among the groups gnomAD compares: Non-Finnish European, 0.0042%; no homozygotes.

Submissions (2):

Labcorp Genetics (formerly Invitae), Labcorp
Classification: Uncertain significance for Brachyolmia-amelogenesis imperfecta syndrome. Last evaluated: 2025-12-13. Review status: criteria provided, single submitter. Criteria: Invitae Variant Classification Sherloc (09022015). Collection method: clinical testing. Allele origin: germline.
Comment: This sequence change replaces proline, which is neutral and non-polar, with leucine, which is neutral and non-polar, at codon 225 of the LTBP3 protein (p.Pro225Leu). The frequency data for this variant in the population databases is considered unreliable, as metrics indicate poor data quality at this position in the gnomAD database. This variant has not been reported in the literature in individuals affected with LTBP3-related conditions. ClinVar contains an entry for this variant (Variation ID: 1387397). An algorithm developed to predict the effect of missense changes on protein structure and function (PolyPhen-2) suggests that this variant is likely to be disruptive. In summary, the available evidence is currently insufficient to determine the role of this variant in disease. Therefore, it has been classified as a Variant of Uncertain Significance.

Ambry Genetics
Classification: Uncertain significance for Inborn genetic diseases. Last evaluated: 2021-08-31. Review status: criteria provided, single submitter. Criteria: Ambry Variant Classification Scheme 2023. Collection method: clinical testing. Allele origin: germline.
Comment: The p.P225L variant (also known as c.674C>T), located in coding exon 3 of the LTBP3 gene, results from a C to T substitution at nucleotide position 674. The proline at codon 225 is replaced by leucine, an amino acid with similar properties. This amino acid position is conserved. In addition, the in silico prediction for this alteration is inconclusive. Since supporting evidence is limited at this time, the clinical significance of this alteration remains unclear.